The following is an entry in ClinVar:

ClinVar aggregate classification (germline): Uncertain significance (1 of 4 stars; one submission).

Allele frequency attached by ClinVar (database versions not stated): gnomAD exomes below 0.00001.
gnomAD v4.1: 1 of 1,605,806 alleles (0.000062%); highest among the groups gnomAD compares: Non-Finnish European, 0.000085%; no homozygotes.

Submission:

GeneDx
Classification: Uncertain significance. Last evaluated: 2019-06-28. Review status: criteria provided, single submitter. Criteria: GeneDx Variant Classification Process June 2021. Collection method: clinical testing. Allele origin: germline. Affected: yes.
Comment: Has not been previously published as pathogenic or benign to our knowledge; Not observed in large population cohorts (Lek et al., 2016); In silico analysis, which includes protein predictors and evolutionary conservation, supports a deleterious effect; The majority of missense variants in this gene are considered pathogenic (Stenson et al., 2014)

NM_005609.4(PYGM):c.1117T>C (p.Cys373Arg)

Gene: PYGM (glycogen phosphorylase, muscle associated; minus strand). Cytogenetic location: 11q13.1.
Variant type: single nucleotide variant.
Coding change: c.1117T>C on transcript NM_005609.4 (MANE Select); coding-DNA position 1117, T replaced by C.
Protein change: p.Cys373Arg; replaces cysteine 373 with arginine.
Molecular consequence: missense variant.
Genome position (GRCh38, 1-based): chr11:64,754,001, A>G on the plus strand (T>C on the coding strand, the complement: PYGM is on the minus strand). VCF-style: chr11-64754001-A-G. GRCh37 (hg19) VCF-style: chr11-64521473-A-G.
Other names: c.853T>C, p.Cys285Arg (NM_001164716.1); short protein forms C285R, C373R.
Identifiers: ClinVar variation 1306725 (VCV001306725.2), dbSNP rs985454554, ClinGen allele CA223900796.
Genomic context (GRCh38, chr11:64,754,001, plus strand): 5'-AGAGGTGCACCGGCCAGCGCTCCAGGGCCTCGGGCAGCACCGTGTGGTTGGTGTAGGCAC[A>G]GGTCCTCACTGTCACATCCCACGCCTGGCACACGGGGTGGGCAGTCAGGATGCTGACCTC-3'
Protein context (NP_005600.1, residues 363-383): DKAWDVTVRT[Cys373Arg]AYTNHTVLPE